The following is an entry in ClinVar:

NM_001278431.2(C1QTNF5):c.415G>A (p.Val139Ile)

Genes: MFRP (membrane frizzled-related protein; minus strand), C1QTNF5 (C1q and TNF related 5; minus strand). Cytogenetic location: 11q23.3.
Variant type: single nucleotide variant.
Coding change: c.415G>A on transcript NM_001278431.2 (MANE Select); coding-DNA position 415, G replaced by A.
Protein change: p.Val139Ile; replaces valine 139 with isoleucine.
Molecular consequence: missense variant. On other transcripts: 3 prime UTR variant (1).
Genome position (GRCh38, 1-based): chr11:119,339,648, C>T on the plus strand (G>A on the coding strand, the complement: C1QTNF5 is on the minus strand). VCF-style: chr11-119339648-C-T. GRCh37 (hg19) VCF-style: chr11-119210358-C-T.
Other names: c.415G>A, p.Val139Ile (NM_015645.5); c.*1311G>A (NM_031433.4); short protein forms V139I.
Identifiers: ClinVar variation 302926 (VCV000302926.14), dbSNP rs368962202, ClinGen allele CA6319944.
Genomic context (GRCh38, chr11:119,339,648, plus strand): 5'-CGGTGGCATGGACGGCGAAGTAGTAGACCCCAGGCACCTGGCAGGTGAACTTGCCGGTGA[C>T]GGCGTCGTAATGTCCCTGCTCGTTCACCAGCACGCGGTCGAAGGGCAAGGGTGCGTCAGA-3'
Protein context (NP_001265360.1, residues 129-149): LVNEQGHYDA[Val139Ile]TGKFTCQVPG

ClinVar aggregate classification (germline): Uncertain significance. Review status: criteria provided, multiple submitters, no conflicts (2 of 4 stars). 3 submissions from 2 submitters: Uncertain significance (3). Last evaluated 2025-08-14.

Conditions:
Isolated microphthalmia 5. Also called: Posterior Microphthalmia with Retinitis Pigmentosa, Foveoschisis, and Optic Disc Drusen. Identifiers: Orphanet 251279, MedGen C1970236, MONDO:0012605, OMIM 611040.
Late-onset retinal degeneration (LORD). Also called: RETINAL DEGENERATION, LATE-ONSET, AUTOSOMAL DOMINANT. Identifiers: Orphanet 67042, MedGen C1854065, MONDO:0011579, OMIM 605670. Disease mechanism: loss of function.

Allele frequency attached by ClinVar (database versions not stated): gnomAD 0.00001 and 0.00002; TOPMed 0.00001; ExAC 0.00003; gnomAD exomes 0.00005.
gnomAD v4.1: 47 of 1,612,468 alleles (0.0029%); highest among the groups gnomAD compares: Middle Eastern, 0.05%; 1 homozygote.

Submissions (3):

Labcorp Genetics (formerly Invitae), Labcorp
Classification: Uncertain significance. Last evaluated: 2025-08-14. Review status: criteria provided, single submitter. Criteria: Invitae Variant Classification Sherloc (09022015). Collection method: clinical testing. Allele origin: germline.
Comment: This sequence change replaces valine, which is neutral and non-polar, with isoleucine, which is neutral and non-polar, at codon 139 of the C1QTNF5 protein (p.Val139Ile). This variant is present in population databases (rs368962202, gnomAD 0.03%). This variant has not been reported in the literature in individuals affected with C1QTNF5-related conditions. ClinVar contains an entry for this variant (Variation ID: 302926). An algorithm developed to predict the effect of missense changes on protein structure and function (PolyPhen-2) suggests that this variant is likely to be tolerated. In summary, the available evidence is currently insufficient to determine the role of this variant in disease. Therefore, it has been classified as a Variant of Uncertain Significance.

Illumina Laboratory Services, Illumina
Classification: Uncertain significance for Isolated microphthalmia 5. Last evaluated: 2018-01-13. Review status: criteria provided, single submitter. Criteria: ICSL Variant Classification Criteria 13 December 2019. Collection method: clinical testing. Allele origin: germline.

Illumina Laboratory Services, Illumina
Classification: Uncertain significance for Late-onset retinal degeneration. Last evaluated: 2018-01-13. Review status: criteria provided, single submitter. Criteria: ICSL Variant Classification Criteria 13 December 2019. Collection method: clinical testing. Allele origin: germline.